The following is an entry in ClinVar:

ClinVar aggregate classification (germline): Uncertain significance. Review status: criteria provided, multiple submitters, no conflicts (2 of 4 stars). 5 submissions from 5 submitters: Uncertain significance (4). 1 of the submissions does not count toward it. Last evaluated 2025-09-25.

Conditions:
Hereditary cancer-predisposing syndrome. Also called: Hereditary Cancer Syndrome; Hereditary neoplastic syndrome; Tumor predisposition; Neoplastic Syndromes, Hereditary. Identifiers: Orphanet 140162, MedGen C0027672, MeSH D009386, MONDO:0015356.
Familial cancer of breast. Also called: Hereditary breast cancer; hereditary breast carcinoma; BREAST CANCER, FAMILIAL. Identifiers: Orphanet 227535, MedGen C0346153, MONDO:0016419, OMIM 114480. Disease mechanism: loss of function.

Allele frequency attached by ClinVar (database versions not stated): gnomAD exomes below 0.00001.
gnomAD v4.1: 1 of 1,606,182 alleles (0.000062%); highest among the groups gnomAD compares: Non-Finnish European, 0.000085%; no homozygotes.

Submissions (5):

Ambry Genetics
Classification: Uncertain significance for Hereditary cancer-predisposing syndrome. Last evaluated: 2025-09-25. Review status: criteria provided, single submitter. Criteria: Ambry Variant Classification Scheme 2023. Collection method: clinical testing. Allele origin: germline.
Comment: The p.P426S variant (also known as c.1276C>T), located in coding exon 11 of the CHEK2 gene, results from a C to T substitution at nucleotide position 1276. The proline at codon 426 is replaced by serine, an amino acid with similar properties. This amino acid position is highly conserved in available vertebrate species. In addition, this alteration is predicted to be deleterious by in silico analysis. Since supporting evidence is limited at this time, the clinical significance of this alteration remains unclear.

Labcorp Genetics (formerly Invitae), Labcorp
Classification: Uncertain significance for Familial cancer of breast. Last evaluated: 2025-05-13. Review status: criteria provided, single submitter. Criteria: Invitae Variant Classification Sherloc (09022015). Collection method: clinical testing. Allele origin: germline.
Comment: This sequence change replaces proline, which is neutral and non-polar, with serine, which is neutral and polar, at codon 426 of the CHEK2 protein (p.Pro426Ser). This variant is not present in population databases (gnomAD no frequency). This missense change has been observed in individual(s) with breast cancer (PMID: 21244692). ClinVar contains an entry for this variant (Variation ID: 548774). An algorithm developed to predict the effect of missense changes on protein structure and function (PolyPhen-2) suggests that this variant is likely to be disruptive. RNA analysis provides insufficient evidence to determine the effect of this variant on CHEK2 splicing (internal data). In summary, the available evidence is currently insufficient to determine the role of this variant in disease. Therefore, it has been classified as a Variant of Uncertain Significance.

GeneDx
Classification: Uncertain significance. Last evaluated: 2024-01-22. Review status: criteria provided, single submitter. Criteria: GeneDx Variant Classification Process June 2021. Collection method: clinical testing. Allele origin: germline. Affected: yes.
Comment: Not observed at significant frequency in large population cohorts (gnomAD); In silico analysis supports that this missense variant has a deleterious effect on protein structure/function; Identified in an individual with breast cancer (PMID: 21244692); This variant is associated with the following publications: (PMID: 21244692, 19782031, 22419737)

Myriad Genetics, Inc.
Classification: Uncertain significance for Familial cancer of breast. Last evaluated: 2023-03-07. Review status: criteria provided, single submitter. Criteria: Myriad Autosomal Dominant, Autosomal Recessive and X-Linked Classification Criteria (2023). Collection method: clinical testing. Allele origin: unknown.
Comment: This variant is classified as a variant of uncertain significance as there is insufficient evidence to determine its impact on protein function and/or cancer risk.

Counsyl
Classification: Uncertain significance for Familial cancer of breast. Last evaluated: 2017-08-14. Review status: no assertion criteria provided. Collection method: clinical testing. Allele origin: unknown. Not counted in ClinVar's aggregate classification.

Literature cited by the submitters: PubMed 21244692 (cited by Labcorp Genetics (formerly Invitae), Labcorp and Counsyl).

NM_007194.4(CHEK2):c.1276C>T (p.Pro426Ser)

Gene: CHEK2 (checkpoint kinase 2; minus strand). Cytogenetic location: 22q12.1.
Variant type: single nucleotide variant.
Coding change: c.1276C>T on transcript NM_007194.4 (MANE Select); coding-DNA position 1276, C replaced by T.
Protein change: p.Pro426Ser; replaces proline 426 with serine.
Molecular consequence: missense variant.
Genome position (GRCh38, 1-based): chr22:28,695,226, G>A on the plus strand (C>T on the coding strand, the complement: CHEK2 is on the minus strand). VCF-style: chr22-28695226-G-A. GRCh37 (hg19) VCF-style: chr22-29091214-G-A.
Other names: c.1405C>T, p.Pro469Ser (NM_001005735.3); c.613C>T, p.Pro205Ser (NM_001257387.3); c.1075C>T, p.Pro359Ser (NM_001349956.3); c.1189C>T, p.Pro397Ser (NM_145862.3); short protein forms P426S, P397S, P205S, P359S, P469S.
Identifiers: ClinVar variation 548774 (VCV000548774.14), dbSNP rs1555913523, ClinGen allele CA411096273.